The following is an entry in ClinVar:

NM_182914.3(SYNE2):c.20547C>T (p.Ser6849=)

Gene: SYNE2 (spectrin repeat containing nuclear envelope protein 2; plus strand). Cytogenetic location: 14q23.2.
Variant type: single nucleotide variant.
Coding change: c.20547C>T on transcript NM_182914.3 (MANE Select); coding-DNA position 20547, C replaced by T.
Protein change: p.Ser6849=; no amino-acid change (serine 6849 retained).
Molecular consequence: synonymous variant.
Genome position (GRCh38, 1-based): chr14:64,225,349, C>T. VCF-style: chr14-64225349-C-T. GRCh37 (hg19) VCF-style: chr14-64692067-C-T.
Other names: c.20481C>T, p.Ser6827= (NM_015180.6); c.1113C>T, p.Ser371= (NM_182910.2); c.1494C>T, p.Ser498= (NM_182913.4).
Identifiers: ClinVar variation 701825 (VCV000701825.13), dbSNP rs371041220, ClinGen allele CA7224943.
Genomic context (GRCh38, chr14:64,225,349, plus strand): 5'-CAATCAGCTCTCAACCTCCTCTGTTGGCAGGGTCCCCGGCAGCACACGGCCACAGCGCTC[C>T]TTCCTCTCAAGGGTGGTCCGGGCAGCCCTACCCCTGCAGCTGCTCCTCCTGCTGCTGCTG-3'
Protein context (NP_878918.2, residues 6839-6859): RVPGSTRPQR[Ser6849=]FLSRVVRAAL

ClinVar aggregate classification (germline): Benign/Likely benign. Review status: criteria provided, multiple submitters, no conflicts (2 of 4 stars). 3 submissions from 3 submitters: Benign (1); Likely benign (2). Last evaluated 2025-10-21.

Conditions:
Emery-Dreifuss muscular dystrophy 5, autosomal dominant (EDMD5). Also called: EMERY-DREIFUSS MUSCULAR DYSTROPHY 5. Identifiers: Orphanet 261, MedGen C2751805, MONDO:0013072, OMIM 612999.

Allele frequency attached by ClinVar (database versions not stated): gnomAD 0.00001 and 0.00005; TOPMed 0.00005; gnomAD exomes 0.00012 and 0.00014; ExAC 0.00014.
gnomAD v4.1: 220 of 1,614,152 alleles (0.014%); highest among the groups gnomAD compares: East Asian, 0.19%; 4 homozygotes.

Submissions (3):

Labcorp Genetics (formerly Invitae), Labcorp
Classification: Likely benign for Emery-Dreifuss muscular dystrophy 5, autosomal dominant. Last evaluated: 2025-10-21. Review status: criteria provided, single submitter. Criteria: Invitae Variant Classification Sherloc (09022015). Collection method: clinical testing. Allele origin: germline.

Blueprint Genetics
Classification: Likely benign. Last evaluated: 2024-10-14. Review status: criteria provided, single submitter. Criteria: ACMG Guidelines, 2015. Collection method: clinical testing. Allele origin: germline.

Illumina Laboratory Services, Illumina
Classification: Benign for Emery-Dreifuss muscular dystrophy 5, autosomal dominant. Last evaluated: 2018-01-13. Review status: criteria provided, single submitter. Criteria: ICSL Variant Classification Criteria 13 December 2019. Collection method: clinical testing. Allele origin: germline.
Comment: This variant was observed in the ICSL laboratory as part of a predisposition screen in an ostensibly healthy population. It had not been previously curated by ICSL or reported in the Human Gene Mutation Database (HGMD: prior to June 1st, 2018), and was therefore a candidate for classification through an automated scoring system. Utilizing variant allele frequency, disease prevalence and penetrance estimates, and inheritance mode, an automated score was calculated to assess if this variant is too frequent to cause the disease. Based on the score and internal cut-off values, a variant classified as benign is not then subjected to further curation. The score for this variant resulted in a classification of benign for this disease.